The following is an entry in ClinVar:

ClinVar aggregate classification (germline): Conflicting classifications of pathogenicity. Review status: criteria provided, conflicting classifications (1 of 4 stars). 2 submissions from 2 submitters: Likely pathogenic (1); Uncertain significance (1). Last evaluated 2025-08-05.

Conditions:
Bardet-Biedl syndrome 16 (BBS16). Identifiers: Orphanet 110, MedGen C3889474, MONDO:0014444, OMIM 615993.
Senior-Loken syndrome 7 (SLSN7). Identifiers: Orphanet 3156, MedGen C3150877, MONDO:0013326, OMIM 613615.
SDCCAG8-related disorder. Also called: SDCCAG8-related condition; SDCCAG8-Related Disorders.

Allele frequency attached by ClinVar (database versions not stated): TOPMed below 0.00001; gnomAD exomes 0.00001 and 0.00003; ExAC 0.00002.
gnomAD v4.1: 7 of 1,613,942 alleles (0.00043%); highest among the groups gnomAD compares: Admixed American, 0.012%; no homozygotes.

Submissions (2):

PreventionGenetics, part of Exact Sciences
Classification: Uncertain significance for SDCCAG8-related condition. Last evaluated: 2025-08-05. Review status: criteria provided, single submitter. Criteria: ACMG Guidelines, 2015. Collection method: clinical testing. Allele origin: germline.
Comment: The SDCCAG8 c.1985+1G>T variant is predicted to disrupt the GT donor site and interfere with normal splicing. To our knowledge, this variant has not been reported in the literature in association with SDCCAG8-related autosomal recessive disorders. An alternate nucleotide change at this same position has been reported as a de novo finding in a patient with a neurodevelopmental disorder (c.1985+1G>A; Kaplanis et al. 2020. PubMed ID: 33057194). This variant is reported in 0.020% of alleles in individuals of Latino descent in gnomAD. Other canonical-splice altering variants in SDCCAG8 have been reported as causative; however, none are located downstream of this change. Furthermore, if this canonical splice donor loss results in clean exon-skipping, an in-frame product is expected. Although we suspect that this variant may be pathogenic, at this time, the clinical significance of this variant is uncertain due to the absence of conclusive functional and genetic evidence.

Labcorp Genetics (formerly Invitae), Labcorp
Classification: Likely pathogenic for Bardet-Biedl syndrome 16; Senior-Loken syndrome 7. Last evaluated: 2024-03-14. Review status: criteria provided, single submitter. Criteria: Invitae Variant Classification Sherloc (09022015). Collection method: clinical testing. Allele origin: germline.
Comment: This sequence change affects a donor splice site in intron 16 of the SDCCAG8 gene. It is expected to disrupt RNA splicing. Variants that disrupt the donor or acceptor splice site typically lead to a loss of protein function (PMID: 16199547), and loss-of-function variants in SDCCAG8 are known to be pathogenic (PMID: 20835237, 22190896). This variant is present in population databases (rs752046196, gnomAD 0.02%). This variant has not been reported in the literature in individuals affected with SDCCAG8-related conditions. ClinVar contains an entry for this variant (Variation ID: 1477324). Algorithms developed to predict the effect of sequence changes on RNA splicing suggest that this variant may disrupt the consensus splice site. In summary, the currently available evidence indicates that the variant is pathogenic, but additional data are needed to prove that conclusively. Therefore, this variant has been classified as Likely Pathogenic.

Literature cited by the submitters: PubMed 16199547 (cited by Labcorp Genetics (formerly Invitae), Labcorp); PubMed 20835237 (cited by Labcorp Genetics (formerly Invitae), Labcorp); PubMed 22190896 (cited by Labcorp Genetics (formerly Invitae), Labcorp).

NM_006642.5(SDCCAG8):c.1985+1G>T

Gene: SDCCAG8 (SHH signaling and ciliogenesis regulator SDCCAG8; plus strand). Cytogenetic location: 1q43.
Variant type: single nucleotide variant.
Coding change: c.1985+1G>T on transcript NM_006642.5 (MANE Select); the canonical splice donor site of the intron after coding-DNA position 1985, G replaced by T.
Molecular consequence: splice donor variant.
Genome position (GRCh38, 1-based): chr1:243,426,559, G>T. VCF-style: chr1-243426559-G-T. GRCh37 (hg19) VCF-style: chr1-243589861-G-T.
Other names: c.1691+1G>T (NM_001350249.2); c.1082+1G>T (NM_001350251.2, NM_001350246.2, NM_001350247.2); c.2081+1G>T (NM_001350248.2).
Identifiers: ClinVar variation 1477324 (VCV001477324.9), dbSNP rs752046196, ClinGen allele CA1483790.